The following is an entry in ClinVar:

ClinVar aggregate classification (germline): Uncertain significance (1 of 4 stars; one submission).

Conditions:
Polyglandular autoimmune syndrome, type 1 (APS1). Also called: AUTOIMMUNE POLYENDOCRINE SYNDROME, TYPE I, WITH OR WITHOUT REVERSIBLE METAPHYSEAL DYSPLASIA; Autoimmune polyendocrinopathy syndrome, type I; PGA I; Autoimmune polyendocrinopathy syndrome , type I, with or without reversible metaphyseal dysplasia; Autoimmune polyendocrine syndrome type 1; APS I. Identifiers: Orphanet 3453, MedGen C0085859, MONDO:0009411, OMIM 240300.

Submission:

Neuberg Centre For Genomic Medicine, NCGM
Classification: Uncertain significance for Polyglandular autoimmune syndrome, type 1. Last evaluated: 2023-03-01. Review status: criteria provided, single submitter. Criteria: ACMG Guidelines, 2015. Collection method: clinical testing. Allele origin: germline. Inheritance: Autosomal dominant inheritance. Affected: yes.
Comment: The missense variant c.1435G>T(p.Val479Leu) in AIRE gene has not been reported previously as a pathogenic variant nor as a benign variant, to our knowledge. The variant is novel (not in any individuals) in gnomAD Exomes and 1000 Genomes. The amino acid Valine at position 479 is changed to a Leucine changing protein sequence and it might alter its composition and physico-chemical properties. For these reasons, this variant has been classified as Uncertain Significance.

NM_000383.4(AIRE):c.1435G>T (p.Val479Leu)

Gene: AIRE (autoimmune regulator; plus strand). Cytogenetic location: 21q22.3.
Variant type: single nucleotide variant.
Coding change: c.1435G>T on transcript NM_000383.4 (MANE Select); coding-DNA position 1435, G replaced by T.
Protein change: p.Val479Leu; replaces valine 479 with leucine.
Molecular consequence: missense variant.
Genome position (GRCh38, 1-based): chr21:44,294,435, G>T. VCF-style: chr21-44294435-G-T. GRCh37 (hg19) VCF-style: chr21-45714318-G-T.
Other names: short protein forms V479L.
Identifiers: ClinVar variation 2671651 (VCV002671651.1), dbSNP rs371876095, ClinGen allele CA410425914.